The following is an entry in ClinVar:

ClinVar aggregate classification (germline): Uncertain significance (1 of 4 stars; one submission).

Conditions:
Baller-Gerold syndrome (BGS). Also called: CRANIOSYNOSTOSIS WITH RADIAL DEFECTS. Identifiers: Orphanet 1225, MedGen C0265308, MONDO:0009039, OMIM 218600.

Submission:

Labcorp Genetics (formerly Invitae), Labcorp
Classification: Uncertain significance for Baller-Gerold syndrome. Last evaluated: 2024-08-29. Review status: criteria provided, single submitter. Criteria: Invitae Variant Classification Sherloc (09022015). Collection method: clinical testing. Allele origin: germline.
Comment: This sequence change falls in intron 12 of the RECQL4 gene. It does not directly change the encoded amino acid sequence of the RECQL4 protein. This variant is not present in population databases (gnomAD no frequency). This variant has not been reported in the literature in individuals affected with RECQL4-related conditions. Experimental studies and prediction algorithms are not available or were not evaluated, and the effect of this variant on mRNA splicing is currently unknown. In summary, the available evidence is currently insufficient to determine the role of this variant in disease. Therefore, it has been classified as a Variant of Uncertain Significance.

NM_004260.4(RECQL4):c.2059-34_2059-5dup

Gene: RECQL4 (RecQ like helicase 4; minus strand). Cytogenetic location: 8q24.3.
Variant type: Duplication.
Coding change: c.2059-34_2059-5dup on transcript NM_004260.4 (MANE Select); 34 bases into the intron before coding-DNA position 2059 through 5 bases into the intron before coding-DNA position 2059, 30 bases duplicated (CTCCCCACTGCCCACGCCAACCGCTCCTCA).
Molecular consequence: intron variant.
Genome position (GRCh38, 1-based): chr8:144,513,717-144,513,746, TGAGGAGCGGTTGGCGTGGGCAGTGGGGAG duplicated on the plus strand (CTCCCCACTGCCCACGCCAACCGCTCCTCA on the coding strand, the reverse complement: RECQL4 is on the minus strand); duplicating any 30 consecutive bases within chr8:144,513,717-144,513,753 gives the same sequence; the c. name uses the placement nearest the transcript's 3' end. VCF-style (leftmost placement, unchanged base first): chr8-144513716-A-ATGAGGAGCGGTTGGCGTGGGCAGTGGGGAG. GRCh37 (hg19) VCF-style: chr8-145739100-A-ATGAGGAGCGGTTGGCGTGGGCAGTGGGGAG.
Other names: c.1930-34_1930-5dup (NM_001413025.1); c.1708-34_1708-5dup (NM_001413029.1); c.922-34_922-5dup (NM_001413032.1, NM_001413027.1, NM_001413030.1 and 1 more transcripts); c.988-34_988-5dup (NM_001413035.1, NM_001413040.1, NM_001413021.1 and 6 more transcripts); c.1963-34_1963-5dup (NM_001413017.1, NM_001413020.1); c.2029-34_2029-5dup (NM_001413039.1); c.1927-34_1927-5dup (NM_001413033.1); c.2059-34_2059-5dup (NM_001413018.1, NM_001413036.1, NM_001413019.1); and 4 more.
Identifiers: ClinVar variation 3663995 (VCV003663995.2).